The following is an entry in ClinVar:

NM_001128228.3(TPRN):c.770C>T (p.Pro257Leu)

Gene: TPRN (taperin; minus strand). Cytogenetic location: 9q34.3.
Variant type: single nucleotide variant.
Coding change: c.770C>T on transcript NM_001128228.3 (MANE Select); coding-DNA position 770, C replaced by T.
Protein change: p.Pro257Leu; replaces proline 257 with leucine.
Molecular consequence: missense variant.
Genome position (GRCh38, 1-based): chr9:137,199,942, G>A on the plus strand (C>T on the coding strand, the complement: TPRN is on the minus strand). VCF-style: chr9-137199942-G-A. GRCh37 (hg19) VCF-style: chr9-140094394-G-A.
Other names: c.770C>T (NM_001128228.2); short protein forms P257L.
Identifiers: ClinVar variation 1478433 (VCV001478433.13), dbSNP rs745997859, ClinGen allele CA5362883.

ClinVar aggregate classification (germline): Uncertain significance. Review status: criteria provided, multiple submitters, no conflicts (2 of 4 stars). 6 submissions from 6 submitters: Uncertain significance (6). Last evaluated 2025-08-09.

Conditions:
Autosomal recessive nonsyndromic hearing loss 79. Identifiers: Orphanet 90636, MedGen C2750082, MONDO:0013215, OMIM 613307.
Inborn genetic diseases. Identifiers: MedGen C0950123, MeSH D030342.

Allele frequency attached by ClinVar (database versions not stated): gnomAD exomes 0.00005; TOPMed 0.00007; gnomAD 0.00009 and 0.00010; ExAC 0.00100.
gnomAD v4.1: 116 of 1,487,398 alleles (0.0078%); highest among the groups gnomAD compares: Middle Eastern, 0.04%; no homozygotes.

Submissions (6):

GeneDx
Classification: Uncertain significance. Last evaluated: 2025-08-09. Review status: criteria provided, single submitter. Criteria: GeneDx Variant Classification Process June 2021. Collection method: clinical testing. Allele origin: germline. Affected: yes.
Comment: In silico analysis suggests that this missense variant does not alter protein structure/function; Has not been previously published as pathogenic or benign to our knowledge

Labcorp Genetics (formerly Invitae), Labcorp
Classification: Uncertain significance. Last evaluated: 2025-08-04. Review status: criteria provided, single submitter. Criteria: Invitae Variant Classification Sherloc (09022015). Collection method: clinical testing. Allele origin: germline.
Comment: This sequence change replaces proline, which is neutral and non-polar, with leucine, which is neutral and non-polar, at codon 257 of the TPRN protein (p.Pro257Leu). The frequency data for this variant in the population databases is considered unreliable, as metrics indicate poor data quality at this position in the gnomAD database. This variant has not been reported in the literature in individuals affected with TPRN-related conditions. ClinVar contains an entry for this variant (Variation ID: 1478433). Invitae Evidence Modeling of protein sequence and biophysical properties (such as structural, functional, and spatial information, amino acid conservation, physicochemical variation, residue mobility, and thermodynamic stability) indicates that this missense variant is not expected to disrupt TPRN protein function with a negative predictive value of 80%. In summary, the available evidence is currently insufficient to determine the role of this variant in disease. Therefore, it has been classified as a Variant of Uncertain Significance.

Ambry Genetics
Classification: Uncertain significance for Inborn genetic diseases. Last evaluated: 2025-01-16. Review status: criteria provided, single submitter. Criteria: Ambry Variant Classification Scheme 2023. Collection method: clinical testing. Allele origin: germline.

Blueprint Genetics
Classification: Uncertain significance. Last evaluated: 2024-10-16. Review status: criteria provided, single submitter. Criteria: ACMG Guidelines, 2015. Collection method: clinical testing. Allele origin: germline.

Fulgent Genetics
Classification: Uncertain significance for Autosomal recessive nonsyndromic hearing loss 79. Last evaluated: 2022-01-03. Review status: criteria provided, single submitter. Criteria: ACMG Guidelines, 2015. Collection method: clinical testing. Allele origin: unknown.

Breakthrough Genomics
Classification: Uncertain significance. Review status: criteria provided, single submitter. Criteria: ACMG Guidelines, 2015. Collection method: not provided. Allele origin: germline. Inheritance: Autosomal recessive inheritance. Affected: yes.